The following is an entry in ClinVar:

ClinVar aggregate classification (germline): Likely benign (0 of 4 stars; one submission).

Allele frequency attached by ClinVar (database versions not stated): gnomAD exomes below 0.00001.

Submission:

Department of Pathology and Laboratory Medicine, Sinai Health System
Classification: Likely benign. Review status: no assertion criteria provided. Collection method: clinical testing. Allele origin: unknown. Affected: yes. Study: The Canadian Open Genetics Repository (COGR).
Comment: The PLEC p.Phe1934Leu variant was not identified in the literature nor was it identified in dbSNP, ClinVar, Cosmic, or LOVD 3.0. The variant was identified in control databases in 1 of 230646 chromosomes at a frequency of 0.000004 (Genome Aggregation Database Feb 27, 2017). The variant was observed in the European (non-Finnish) population in 1 of 105600 chromosomes (freq: 0.000009), but not in the African, Latino, Ashkenazi Jewish, East Asian, European (Finnish), Other, and South Asian populations. The p.Phe1934 residue is conserved in mammals but not in more distantly related organisms however four out of five computational analyses (PolyPhen-2, SIFT, AlignGVGD, BLOSUM, MutationTaster) do not suggest a high likelihood of impact to the protein; this information is not predictive enough to rule out pathogenicity. The variant occurs outside of the splicing consensus sequence and in silico or computational prediction software programs (SpliceSiteFinder, MaxEntScan, NNSPLICE, GeneSplicer) do not predict a difference in splicing. In summary, based on the above information the clinical significance of this variant cannot be determined with certainty at this time although we would lean towards a more benign role for this variant. This variant is classified as likely benign.

NM_201384.3(PLEC):c.5800T>C (p.Phe1934Leu)

Gene: PLEC (plectin; minus strand). Cytogenetic location: 8q24.3.
Variant type: single nucleotide variant.
Coding change: c.5800T>C on transcript NM_201384.3 (MANE Select); coding-DNA position 5800, T replaced by C.
Protein change: p.Phe1934Leu; replaces phenylalanine 1934 with leucine.
Molecular consequence: missense variant.
Genome position (GRCh38, 1-based): chr8:143,924,129, A>G on the plus strand (T>C on the coding strand, the complement: PLEC is on the minus strand). VCF-style: chr8-143924129-A-G. GRCh37 (hg19) VCF-style: chr8-144998297-A-G.
Other names: c.5881T>C, p.Phe1961Leu (NM_000445.5); c.5758T>C, p.Phe1920Leu (NM_201378.4); c.5734T>C, p.Phe1912Leu (NM_201379.3); c.6211T>C, p.Phe2071Leu (NM_201380.4); c.5704T>C, p.Phe1902Leu (NM_201381.3); c.5800T>C, p.Phe1934Leu (NM_201382.4); c.5812T>C, p.Phe1938Leu (NM_201383.3); short protein forms F1902L, F1912L, F1920L, F1934L, F1938L, F1961L, F2071L.
Identifiers: ClinVar variation 1050192 (VCV001050192.1), dbSNP rs1554695889, ClinGen allele CA372541654.